The following is an entry in ClinVar:

NM_001365999.1(SZT2):c.1374G>A (p.Arg458=)

Gene: SZT2 (SZT2 subunit of KICSTOR complex; plus strand). Cytogenetic location: 1p34.2.
Variant type: single nucleotide variant.
Coding change: c.1374G>A on transcript NM_001365999.1 (MANE Select); coding-DNA position 1374, G replaced by A.
Protein change: p.Arg458=; no amino-acid change (arginine 458 retained).
Molecular consequence: synonymous variant.
Genome position (GRCh38, 1-based): chr1:43,420,861, G>A. VCF-style: chr1-43420861-G-A. GRCh37 (hg19) VCF-style: chr1-43886532-G-A.
Other names: c.1374G>A, p.Arg458= (NM_015284.4).
Identifiers: ClinVar variation 1624018 (VCV001624018.11), dbSNP rs2153932267, ClinGen allele CA417548639.
Genomic context (GRCh38, chr1:43,420,861, plus strand): 5'-CATTGAGTATGTGGCTATGGCACCCTGGCCCCTGGAGCCTGAGGGCCCTCGAGTAACACG[G>A]GTGGAAGTGACGATGGAAGGCGGCTACGACATTTTGCATGATGTGTCCTGTGCACTAAGG-3'
Protein context (NP_001352928.1, residues 448-468): PLEPEGPRVT[Arg458=]VEVTMEGGYD

ClinVar aggregate classification (germline): Likely benign. Review status: criteria provided, multiple submitters, no conflicts (2 of 4 stars). 3 submissions from 3 submitters: Likely benign (3). Last evaluated 2026-06-01.

Submissions (3):

CeGaT Center for Human Genetics Tuebingen
Classification: Likely benign. Last evaluated: 2026-06-01. Review status: criteria provided, single submitter. Criteria: CeGaT Center For Human Genetics Tuebingen Variant Classification Criteria Version 2. Collection method: clinical testing. Allele origin: germline. Affected: yes. Observed: 1 variant allele.
Comment: SZT2: BP4, BP7

Blueprint Genetics
Classification: Likely benign. Last evaluated: 2024-05-21. Review status: criteria provided, single submitter. Criteria: ACMG Guidelines, 2015. Collection method: clinical testing. Allele origin: germline.

Labcorp Genetics (formerly Invitae), Labcorp
Classification: Likely benign. Last evaluated: 2022-03-22. Review status: criteria provided, single submitter. Criteria: Invitae Variant Classification Sherloc (09022015). Collection method: clinical testing. Allele origin: germline.